The following is an entry in ClinVar:

NM_018062.4(FANCL):c.214C>T (p.Gln72Ter)

Gene: FANCL (FA complementation group L; minus strand). Cytogenetic location: 2p16.1.
Variant type: single nucleotide variant.
Coding change: c.214C>T on transcript NM_018062.4 (MANE Select); coding-DNA position 214, C replaced by T.
Protein change: p.Gln72Ter; replaces glutamine 72 with a stop codon.
Molecular consequence: nonsense. On other transcripts: non-coding transcript variant (1), intron variant (1).
Genome position (GRCh38, 1-based): chr2:58,229,816, G>A on the plus strand (C>T on the coding strand, the complement: FANCL is on the minus strand). VCF-style: chr2-58229816-G-A. GRCh37 (hg19) VCF-style: chr2-58456951-G-A.
Other names: c.214C>T, p.Gln72Ter (NM_001114636.2, NM_001374615.1, NM_001410792.1 and 3 more transcripts); c.96+11402C>T (NM_001438892.1); short protein forms Q72*.
Identifiers: ClinVar variation 4882139 (VCV004882139.2).
Genomic context (GRCh38, chr2:58,229,816, plus strand): 5'-ATAAATTTAGTAATTTCTTATCTTCACTGAAAACATAAACCTTTTAAAAAGGACTTACCT[G>A]TTGTACTATTCGATGGTATCCACTAAGTATTGTTCTCAGCTGCCAACTACATAATAATCT-3'

ClinVar aggregate classification (germline): Likely pathogenic (1 of 4 stars; one submission).

gnomAD v4.1: 1 of 1,605,878 alleles (0.000062%); highest among the groups gnomAD compares: Non-Finnish European, 0.000085%; no homozygotes.

Submission:

Dasa
Classification: Likely pathogenic. Last evaluated: 2025-09-23. Review status: criteria provided, single submitter. Criteria: DASA Assertion Criteria. Collection method: clinical testing. Allele origin: germline.
Comment: NM_018062.4(FANCL):c.214C>T (p.Gln72*) is a nonsense variant in FANCL predicted to introduce a premature termination codon and is predicted to result in an absent or altered protein product. Loss of function is an established disease mechanism for FANCL-associated disorders. Also, this variant is rare in population databases. Based on the currently available evidence, this variant is classified as likely pathogenic.